The following is an entry in ClinVar:

ClinVar aggregate classification (germline): Uncertain significance. Review status: criteria provided, multiple submitters, no conflicts (2 of 4 stars). 4 submissions from 4 submitters: Uncertain significance (4). Last evaluated 2025-09-02.

Conditions:
Dilated cardiomyopathy 1G (CMD1G). Identifiers: Orphanet 154, MedGen C1858763, MONDO:0011400, OMIM 604145.
Autosomal recessive limb-girdle muscular dystrophy type 2J (LGMDR10). Also called: Limb-girdle muscular dystrophy, type 2J; MUSCULAR DYSTROPHY, LIMB-GIRDLE, AUTOSOMAL RECESSIVE 10. Identifiers: Orphanet 140922, MedGen C1837342, MONDO:0012127, OMIM 608807.
Cardiovascular phenotype. Identifiers: MedGen CN230736.

Submissions (4):

Labcorp Genetics (formerly Invitae), Labcorp
Classification: Uncertain significance for Dilated cardiomyopathy 1G; Autosomal recessive limb-girdle muscular dystrophy type 2J. Last evaluated: 2025-09-02. Review status: criteria provided, single submitter. Criteria: Invitae Variant Classification Sherloc (09022015). Collection method: clinical testing. Allele origin: germline.
Comment: This sequence change replaces aspartic acid, which is acidic and polar, with asparagine, which is neutral and polar, at codon 15656 of the TTN protein (p.Asp15656Asn). This variant also falls at the last nucleotide of exon 251, which is part of the consensus splice site for this exon. This variant is not present in population databases (gnomAD no frequency). This variant has not been reported in the literature in individuals affected with TTN-related conditions. ClinVar contains an entry for this variant (Variation ID: 178964). Experimental studies and prediction algorithms are not available or were not evaluated, and the functional significance of this variant is currently unknown. Variants that disrupt the consensus splice site are a relatively common cause of aberrant splicing (PMID: 17576681, 9536098). Algorithms developed to predict the effect of sequence changes on RNA splicing suggest that this variant may disrupt the consensus splice site. This variant is located in the I band of TTN (PMID: 25589632). Non-truncating variants in this region may be clinically relevant, but have not been definitively shown to cause cardiomyopathy or neuromuscular disease (PMID: 27493940, 32778822). In summary, the available evidence is currently insufficient to determine the role of this variant in disease. Therefore, it has been classified as a Variant of Uncertain Significance.

GeneDx
Classification: Uncertain significance. Last evaluated: 2025-05-14. Review status: criteria provided, single submitter. Criteria: GeneDx Variant Classification Process June 2021. Collection method: clinical testing. Allele origin: germline. Affected: yes.
Comment: Not observed at significant frequency in large population cohorts (gnomAD); Has not been previously published as pathogenic or benign to our knowledge; In silico analysis is inconclusive as to whether the variant alters gene splicing. In the absence of RNA/functional studies, the actual effect of this sequence change is unknown.

Ambry Genetics
Classification: Uncertain significance for Cardiovascular phenotype. Last evaluated: 2020-07-10. Review status: criteria provided, single submitter. Criteria: Ambry Variant Classification Scheme 2023. Collection method: clinical testing. Allele origin: germline.
Comment: The p.D6591N variant (also known as c.19771G>A), located in coding exon 78 of the TTN gene, results from a G to A substitution at nucleotide position 19771. This exon is located in the I-band region of the N2-B isoform of the titin protein and is constitutively expressed in TTN transcripts (percent spliced in or PSI 100%). This change occurs in the last base pair of coding exon 78, which makes it likely to have some effect on normal mRNA splicing. In addition, this alteration changes the aspartic acid at codon 6591 to asparagine, an amino acid with highly similar properties. The nucleotide and amino acid positions are highly conserved in available vertebrate species. Using the BDGP and ESEfinder splice site prediction tools, this alteration is predicted to weaken the efficiency of the native splice donor site; however, direct evidence is unavailable. In addition, the amino acid change is predicted to be tolerated by in silico analysis. Since supporting evidence is limited at this time, the clinical significance of this alteration remains unclear.

Laboratory for Molecular Medicine, Mass General Brigham Personalized Medicine
Classification: Uncertain significance. Last evaluated: 2013-05-30. Review status: criteria provided, single submitter. Criteria: LMM Criteria. Collection method: clinical testing. Allele origin: germline. Observed: 1 variant allele.
Comment: The Asp13088Asn variant in TTN has not been reported in individuals with cardiom yopathy or in large population studies. This variant is located in the last base of the exon, which is part of the 5? splice region. Computational tools suggest an impact to splicing, though this information is not predictive enough to dete rmine pathogenicity. Additional computational analyses (biochemical amino acid p roperties, conservation, AlignGVGD, PolyPhen2, and SIFT) do not provide strong s upport for or against an impact to the protein. In summary, additional informati on is needed to fully assess the clinical significance of this variant.

Literature cited by the submitters: PubMed 17576681 (cited by Labcorp Genetics (formerly Invitae), Labcorp); PubMed 9536098 (cited by Labcorp Genetics (formerly Invitae), Labcorp); PubMed 25589632 (cited by Labcorp Genetics (formerly Invitae), Labcorp); PubMed 27493940 (cited by Labcorp Genetics (formerly Invitae), Labcorp); PubMed 32778822 (cited by Labcorp Genetics (formerly Invitae), Labcorp).

NM_001267550.2(TTN):c.46966G>A (p.Asp15656Asn)

Genes: TTN-AS1 (TTN antisense RNA 1; plus strand), TTN (titin; minus strand). Cytogenetic location: 2q31.2.
Variant type: single nucleotide variant.
Coding change: c.46966G>A on transcript NM_001267550.2 (MANE Select); coding-DNA position 46966, G replaced by A.
Protein change: p.Asp15656Asn; replaces aspartic acid 15656 with asparagine.
Molecular consequence: missense variant.
Genome position (GRCh38, 1-based): chr2:178,618,584, C>T on the plus strand (G>A on the coding strand, the complement: TTN is on the minus strand). VCF-style: chr2-178618584-C-T. GRCh37 (hg19) VCF-style: chr2-179483311-C-T.
Other names: c.46966G>A (NM_001267550.1); c.39262G>A, p.Asp13088Asn (NM_133378.4); c.42043G>A, p.Asp14015Asn (NM_001256850.1); c.19771G>A, p.Asp6591Asn (NM_003319.4); c.20146G>A, p.Asp6716Asn (NM_133432.3); c.20347G>A, p.Asp6783Asn (NM_133437.4); short protein forms D13088N, D15656N, D6716N, D6591N, D6783N, D14015N.
Identifiers: ClinVar variation 178964 (VCV000178964.16), dbSNP rs727504572, ClinGen allele CA183395.